The following is an entry in ClinVar:

NM_138694.4(PKHD1):c.6038T>C (p.Leu2013Pro)

Gene: PKHD1 (PKHD1 ciliary IPT domain containing fibrocystin/polyductin; minus strand). Cytogenetic location: 6p12.2.
Variant type: single nucleotide variant.
Coding change: c.6038T>C on transcript NM_138694.4 (MANE Select); coding-DNA position 6038, T replaced by C.
Protein change: p.Leu2013Pro; replaces leucine 2013 with proline.
Molecular consequence: missense variant.
Genome position (GRCh38, 1-based): chr6:51,934,193, A>G on the plus strand (T>C on the coding strand, the complement: PKHD1 is on the minus strand). VCF-style: chr6-51934193-A-G. GRCh37 (hg19) VCF-style: chr6-51798991-A-G.
Other names: c.6038T>C, p.Leu2013Pro (NM_170724.3); short protein forms L2013P.
Identifiers: ClinVar variation 528295 (VCV000528295.7), dbSNP rs1554144276, ClinGen allele CA364417734.

ClinVar aggregate classification (germline): Uncertain significance (1 of 4 stars; one submission).

Conditions:
Autosomal recessive polycystic kidney disease (ARPKD). Also called: AR polycystic kidney disease. Identifiers: Orphanet 731, Orphanet 8378, MedGen C0085548, MeSH D017044, MONDO:0009889.

Submission:

Labcorp Genetics (formerly Invitae), Labcorp
Classification: Uncertain significance for Autosomal recessive polycystic kidney disease. Last evaluated: 2018-05-01. Review status: criteria provided, single submitter. Criteria: Invitae Variant Classification Sherloc (09022015). Collection method: clinical testing. Allele origin: germline.
Comment: In summary, the available evidence is currently insufficient to determine the role of this variant in disease. Therefore, it has been classified as a Variant of Uncertain Significance. Algorithms developed to predict the effect of missense changes on protein structure and function do not agree on the potential impact of this missense change (SIFT: "Deleterious"; PolyPhen-2: "Probably Damaging"; Align-GVGD: "Class C0"). This variant has not been reported in the literature in individuals with PKHD1-related disease. This variant is not present in population databases (ExAC no frequency). This sequence change replaces leucine with proline at codon 2013 of the PKHD1 protein (p.Leu2013Pro). The leucine residue is highly conserved and there is a moderate physicochemical difference between leucine and proline.